The following is an entry in ClinVar:

ClinVar aggregate classification (germline): Uncertain significance (1 of 4 stars; one submission).

Conditions:
Dilated cardiomyopathy 1DD (CMD1DD). Identifiers: Orphanet 154, MedGen C2750995, MONDO:0013168, OMIM 613172.

gnomAD v4.1: 5 of 1,550,786 alleles (0.00032%); highest among the groups gnomAD compares: Non-Finnish European, 0.00026%; no homozygotes.

Submission:

Labcorp Genetics (formerly Invitae), Labcorp
Classification: Uncertain significance for Dilated cardiomyopathy 1DD. Last evaluated: 2025-11-25. Review status: criteria provided, single submitter. Criteria: Invitae Variant Classification Sherloc (09022015). Collection method: clinical testing. Allele origin: germline.
Comment: This sequence change replaces methionine, which is neutral and non-polar, with valine, which is neutral and non-polar, at codon 859 of the RBM20 protein (p.Met859Val). This variant is not present in population databases (gnomAD no frequency). This variant has not been reported in the literature in individuals affected with RBM20-related conditions. ClinVar contains an entry for this variant (Variation ID: 838181). Invitae Evidence Modeling of protein sequence and biophysical properties (such as structural, functional, and spatial information, amino acid conservation, physicochemical variation, residue mobility, and thermodynamic stability) indicates that this missense variant is not expected to disrupt RBM20 protein function with a negative predictive value of 95%. In summary, the available evidence is currently insufficient to determine the role of this variant in disease. Therefore, it has been classified as a Variant of Uncertain Significance.

NM_001134363.3(RBM20):c.2575A>G (p.Met859Val)

Gene: RBM20 (RNA binding motif protein 20; plus strand). Cytogenetic location: 10q25.2.
Variant type: single nucleotide variant.
Coding change: c.2575A>G on transcript NM_001134363.3 (MANE Select); coding-DNA position 2575, A replaced by G.
Protein change: p.Met859Val; replaces methionine 859 with valine.
Molecular consequence: missense variant.
Genome position (GRCh38, 1-based): chr10:110,820,096, A>G. VCF-style: chr10-110820096-A-G. GRCh37 (hg19) VCF-style: chr10-112579854-A-G.
Other names: short protein forms M859V.
Identifiers: ClinVar variation 838181 (VCV000838181.8), dbSNP rs1844888587, ClinGen allele CA378376741.